The following is an entry in ClinVar:

ClinVar aggregate classification (germline): Uncertain significance (1 of 4 stars; one submission).

Conditions:
Charcot-Marie-Tooth disease dominant intermediate C (CMTDIC). Also called: CHARCOT-MARIE-TOOTH NEUROPATHY, DOMINANT INTERMEDIATE C. Identifiers: Orphanet 100045, MedGen C1842237, MONDO:0012012, OMIM 608323.

Submission:

Labcorp Genetics (formerly Invitae), Labcorp
Classification: Uncertain significance for Charcot-Marie-Tooth disease dominant intermediate C. Last evaluated: 2023-04-18. Review status: criteria provided, single submitter. Criteria: Invitae Variant Classification Sherloc (09022015). Collection method: clinical testing. Allele origin: germline.
Comment: In summary, the available evidence is currently insufficient to determine the role of this variant in disease. Therefore, it has been classified as a Variant of Uncertain Significance. Advanced modeling of protein sequence and biophysical properties (such as structural, functional, and spatial information, amino acid conservation, physicochemical variation, residue mobility, and thermodynamic stability) performed at Invitae indicates that this missense variant is not expected to disrupt YARS protein function. This sequence change replaces threonine, which is neutral and polar, with asparagine, which is neutral and polar, at codon 508 of the YARS protein (p.Thr508Asn). This variant is not present in population databases (gnomAD no frequency). This variant has not been reported in the literature in individuals affected with YARS-related conditions.

NM_003680.4(YARS1):c.1523C>A (p.Thr508Asn)

Gene: YARS1 (tyrosyl-tRNA synthetase 1; minus strand). Cytogenetic location: 1p35.1.
Variant type: single nucleotide variant.
Coding change: c.1523C>A on transcript NM_003680.4 (MANE Select); coding-DNA position 1523, C replaced by A.
Protein change: p.Thr508Asn; replaces threonine 508 with asparagine.
Molecular consequence: missense variant.
Genome position (GRCh38, 1-based): chr1:32,776,045, G>T on the plus strand (C>A on the coding strand, the complement: YARS1 is on the minus strand). VCF-style: chr1-32776045-G-T. GRCh37 (hg19) VCF-style: chr1-33241646-G-T.
Other names: short protein forms T508N.
Identifiers: ClinVar variation 2847914 (VCV002847914.3), dbSNP rs756253717, ClinGen allele CA339678807.